The following is an entry in ClinVar:

ClinVar aggregate classification (germline): Uncertain significance. Review status: criteria provided, multiple submitters, no conflicts (2 of 4 stars). 3 submissions from 3 submitters: Uncertain significance (3). Last evaluated 2026-03-10.

Conditions:
Hereditary von Willebrand disease. Identifiers: Orphanet 903, MedGen C5703318, MONDO:0019565. Inheritance: Autosomal recessive or Autosomal dominant.

Allele frequency attached by ClinVar (database versions not stated): gnomAD 0.00004; TOPMed 0.00006; gnomAD exomes 0.00009 and 0.00011; ExAC 0.00010; ESP Exome Variant Server 0.00038.
gnomAD v4.1: 158 of 1,612,824 alleles (0.0098%); highest among the groups gnomAD compares: Non-Finnish European, 0.012%; no homozygotes.

Submissions (3):

Women's Health and Genetics/Laboratory Corporation of America, LabCorp
Classification: Uncertain significance. Last evaluated: 2026-03-10. Review status: criteria provided, single submitter. Criteria: LabCorp Variant Classification Summary - May 2015. Collection method: clinical testing. Allele origin: germline.
Comment: Variant summary: VWF c.1514G>A (p.Arg505His) results in a non-conservative amino acid change in the encoded protein sequence. Algorithms developed to predict the effect of missense changes on protein structure and function are either unavailable or do not agree on the potential impact of this missense change. The variant allele was found at a frequency of 8.8e-05 in 249282 control chromosomes. This frequency is not significantly higher than estimated for disease-causing variants in VWF, allowing no conclusion about variant significance. c.1514G>A has been observed in one individual affected with rare bleeding, thrombotic, or platelet disorders (Downes_2019). The report does not provide unequivocal conclusions about association of the variant with Von Willebrand Disease. To our knowledge, no experimental evidence demonstrating an impact on protein function has been reported. The following publication have been ascertained in the context of this evaluation (PMID: 31064749). ClinVar contains an entry for this variant (Variation ID: 627007). Based on the evidence outlined above, the variant was classified as uncertain significance.

ARUP Laboratories, Molecular Genetics and Genomics, ARUP Laboratories
Classification: Uncertain significance. Last evaluated: 2022-10-21. Review status: criteria provided, single submitter. Criteria: ARUP Molecular Germline Variant Investigation Process 2021. Collection method: clinical testing. Allele origin: germline.
Comment: The VWF c.1514G>A; p.Arg505His variant (rs139830291) is reported in the literature in an individual affected with an unspecified bleeding disorder (Downes 2019). This variant is also reported in ClinVar (Variation ID: 627007), and is found in the general population with an overall allele frequency of 0.0088% (22/249282 alleles) in the Genome Aggregation Database. The arginine at codon 505 is highly conserved, but computational analyses predict that this variant is neutral (REVEL: 0.102). Due to limited information, the clinical significance of this variant is uncertain at this time. References: Downes K et al. Diagnostic high-throughput sequencing of 2396 patients with bleeding, thrombotic, and platelet disorders. Blood. 2019 Dec 5;134(23):2082-2091. PMID: 31064749.

NIHR Bioresource Rare Diseases, University of Cambridge
Classification: Uncertain significance for von Willebrand disorder. Last evaluated: 2019-02-01. Review status: criteria provided, single submitter. Criteria: ACMG Guidelines, 2015. Collection method: research. Allele origin: unknown. Affected: yes. Observed: 1 heterozygote. Study: ThromboGenomics.

Literature cited by the submitters: PubMed 31064749 (cited by Women's Health and Genetics/Laboratory Corporation of America, LabCorp and NIHR Bioresource Rare Diseases, University of Cambridge).

NM_000552.5(VWF):c.1514G>A (p.Arg505His)

Gene: VWF (von Willebrand factor; minus strand). Cytogenetic location: 12p13.31.
Variant type: single nucleotide variant.
Coding change: c.1514G>A on transcript NM_000552.5 (MANE Select); coding-DNA position 1514, G replaced by A.
Protein change: p.Arg505His; replaces arginine 505 with histidine.
Molecular consequence: missense variant.
Genome position (GRCh38, 1-based): chr12:6,062,973, C>T on the plus strand (G>A on the coding strand, the complement: VWF is on the minus strand). VCF-style: chr12-6062973-C-T. GRCh37 (hg19) VCF-style: chr12-6172139-C-T.
Other names: short protein forms R505H.
Identifiers: ClinVar variation 627007 (VCV000627007.6), dbSNP rs139830291, ClinGen allele CA6403375.
Genomic context (GRCh38, chr12:6,062,973, plus strand): 5'-GGTCGGGCCGCAGGGAGCCAGTACCCCGTGAGGGCACCTACCTTCACCAGCAGCCTCCCG[C>T]GGCCATCCCAGTCCATCTGCAGGTCCTCCCCGTAGCTGAGGCGCACGGAGGCCGTCACTG-3'
Protein context (NP_000543.3, residues 495-515): GEDLQMDWDG[Arg505His]GRLLVKLSPV